The following is an entry in ClinVar:

ClinVar aggregate classification (germline): Likely benign. Review status: criteria provided, multiple submitters, no conflicts (2 of 4 stars). 3 submissions from 3 submitters: Likely benign (2). 1 of the submissions does not count toward it. Last evaluated 2024-10-12.

Conditions:
Deficiency of ferroxidase (ACEP). Also called: Aceruloplasminemia; NEURODEGENERATION WITH BRAIN IRON ACCUMULATION 10; Deficiency of ceruloplasmin; Ceruloplasmin deficiency; Familial apoceruloplasmin deficiency; Hereditary ceruloplasmin deficiency. Identifiers: Orphanet 48818, MedGen C0878682, MONDO:0011426, OMIM 604290, HP:0025498.
CP-related disorder. Also called: CP-related condition.

Allele frequency attached by ClinVar (database versions not stated): TOPMed 0.00002; 1000 Genomes Project 30x 0.00047; 1000 Genomes Project 0.00060.
gnomAD v4.1: 84 of 1,614,108 alleles (0.0052%); highest among the groups gnomAD compares: South Asian, 0.076%; 1 homozygote.

Submissions (3):

Labcorp Genetics (formerly Invitae), Labcorp
Classification: Likely benign for Deficiency of ferroxidase. Last evaluated: 2024-10-12. Review status: criteria provided, single submitter. Criteria: Invitae Variant Classification Sherloc (09022015). Collection method: clinical testing. Allele origin: germline.

Blueprint Genetics
Classification: Likely benign. Last evaluated: 2024-01-19. Review status: criteria provided, single submitter. Criteria: ACMG Guidelines, 2015. Collection method: clinical testing. Allele origin: germline.

PreventionGenetics, part of Exact Sciences
Classification: Likely benign for CP-related condition. Last evaluated: 2023-12-11. Review status: no assertion criteria provided. Collection method: clinical testing. Allele origin: germline. Not counted in ClinVar's aggregate classification.
Comment: This variant is classified as likely benign based on ACMG/AMP sequence variant interpretation guidelines (Richards et al. 2015 PMID: 25741868, with internal and published modifications).

NM_000096.4(CP):c.1218G>A (p.Ala406=)

Gene: CP (ceruloplasmin; minus strand). Cytogenetic location: 3q25.1.
Variant type: single nucleotide variant.
Coding change: c.1218G>A on transcript NM_000096.4 (MANE Select); coding-DNA position 1218, G replaced by A.
Protein change: p.Ala406=; no amino-acid change (alanine 406 retained).
Molecular consequence: synonymous variant. On other transcripts: non-coding transcript variant (1).
Genome position (GRCh38, 1-based): chr3:149,202,232, C>T on the plus strand (G>A on the coding strand, the complement: CP is on the minus strand). VCF-style: chr3-149202232-C-T. GRCh37 (hg19) VCF-style: chr3-148920019-C-T.
Other names: c.1218G>A (NM_000096.3).
Identifiers: ClinVar variation 2710179 (VCV002710179.6), dbSNP rs17847016, ClinGen allele CA2661090.